The following is an entry in ClinVar:

ClinVar aggregate classification (germline): Uncertain significance. Review status: criteria provided, multiple submitters, no conflicts (2 of 4 stars). 2 submissions from 2 submitters: Uncertain significance (2). Last evaluated 2024-03-25.

Conditions:
Inborn genetic diseases. Identifiers: MedGen C0950123, MeSH D030342.

Allele frequency attached by ClinVar (database versions not stated): gnomAD exomes 0.00001 and 0.00002; ExAC 0.00002; gnomAD 0.00002; TOPMed 0.00002.
gnomAD v4.1: 14 of 1,613,790 alleles (0.00087%); highest among the groups gnomAD compares: East Asian, 0.0045%; no homozygotes.

Submissions (2):

Ambry Genetics
Classification: Uncertain significance for Inborn genetic diseases. Last evaluated: 2024-03-25. Review status: criteria provided, single submitter. Criteria: Ambry Variant Classification Scheme 2023. Collection method: clinical testing. Allele origin: germline.

Labcorp Genetics (formerly Invitae), Labcorp
Classification: Uncertain significance. Last evaluated: 2020-12-18. Review status: criteria provided, single submitter. Criteria: Invitae Variant Classification Sherloc (09022015). Collection method: clinical testing. Allele origin: germline.
Comment: In summary, the available evidence is currently insufficient to determine the role of this variant in disease. Therefore, it has been classified as a Variant of Uncertain Significance. Algorithms developed to predict the effect of missense changes on protein structure and function are either unavailable or do not agree on the potential impact of this missense change (SIFT: "Not Available"; PolyPhen-2: "Probably Damaging"; Align-GVGD: "Not Available"). This variant has not been reported in the literature in individuals with FN1-related conditions. This variant is present in population databases (rs771607192, ExAC 0.02%). This sequence change replaces threonine with methionine at codon 1931 of the FN1 protein (p.Thr1931Met). The threonine residue is moderately conserved and there is a moderate physicochemical difference between threonine and methionine.

NM_212482.4(FN1):c.5792C>T (p.Thr1931Met)

Gene: FN1 (fibronectin 1; minus strand). Cytogenetic location: 2q35.
Variant type: single nucleotide variant.
Coding change: c.5792C>T on transcript NM_212482.4 (MANE Select); coding-DNA position 5792, C replaced by T.
Protein change: p.Thr1931Met; replaces threonine 1931 with methionine.
Molecular consequence: missense variant.
Genome position (GRCh38, 1-based): chr2:215,376,593, G>A on the plus strand (C>T on the coding strand, the complement: FN1 is on the minus strand). VCF-style: chr2-215376593-G-A. GRCh37 (hg19) VCF-style: chr2-216241316-G-A.
Other names: c.5792C>T (NM_212482.1); c.5792C>T, p.Thr1931Met (NM_001306129.2); c.5522C>T, p.Thr1841Met (NM_001306130.2, NM_001365517.2, NM_001365519.2 and 2 more transcripts); c.5249C>T, p.Thr1750Met (NM_001306131.2, NM_001306132.2, NM_001365523.2 and 2 more transcripts); c.5519C>T, p.Thr1840Met (NM_001365518.2, NM_001365520.2, NM_001365524.2 and 2 more transcripts); short protein forms T1750M, T1841M, T1931M, T1840M.
Identifiers: ClinVar variation 1444867 (VCV001444867.7), dbSNP rs771607192, ClinGen allele CA2094033.
Genomic context (GRCh38, chr2:215,376,593, plus strand): 5'-GTTCTCTGGATTGGAGTCTGGCCATTGGCTGGAACGGCATCAACTTGGAAGCCAGTGATC[G>A]TCTCAGTCTTGGTTCTCCAGCTAATGGTGATGGTGGTCTCAGTAGCATCTGTCACACGAG-3'
Protein context (NP_997647.2, residues 1921-1941): ITISWRTKTE[Thr1931Met]ITGFQVDAVP